The following is an entry in ClinVar:

NM_004431.5(EPHA2):c.1901C>T (p.Thr634Ile)

Gene: EPHA2 (EPH receptor A2; minus strand). Cytogenetic location: 1p36.13.
Variant type: single nucleotide variant.
Coding change: c.1901C>T on transcript NM_004431.5 (MANE Select); coding-DNA position 1901, C replaced by T.
Protein change: p.Thr634Ile; replaces threonine 634 with isoleucine.
Molecular consequence: missense variant.
Genome position (GRCh38, 1-based): chr1:16,133,332, G>A on the plus strand (C>T on the coding strand, the complement: EPHA2 is on the minus strand). VCF-style: chr1-16133332-G-A. GRCh37 (hg19) VCF-style: chr1-16459827-G-A.
Other names: c.1739C>T, p.Thr580Ile (NM_001329090.2); short protein forms T580I, T634I.
Identifiers: ClinVar variation 4989461 (VCV004989461.1).

ClinVar aggregate classification (germline): Uncertain significance (1 of 4 stars; one submission).

Conditions:
EPHA2-related disorder. Also called: EPHA2-related condition.

gnomAD v4.1: 51 of 1,613,718 alleles (0.0032%); highest among the groups gnomAD compares: Middle Eastern, 0.049%; no homozygotes.

Submission:

PreventionGenetics, part of Exact Sciences
Classification: Uncertain significance for EPHA2-related condition. Last evaluated: 2026-05-05. Review status: criteria provided, single submitter. Criteria: ACMG Guidelines, 2015. Collection method: clinical testing. Allele origin: germline.
Comment: The EPHA2 c.1901C>T variant is predicted to result in the amino acid substitution p.Thr634Ile. To our knowledge, this variant has not been reported in the literature. This variant is reported in 0.0056% of alleles in individuals of Latino descent in gnomAD. At this time, the clinical significance of this variant is uncertain due to the absence of conclusive functional and genetic evidence.